The following is an entry in ClinVar:

NM_017570.5(OPLAH):c.880G>A (p.Val294Met)

Gene: OPLAH (5-oxoprolinase, ATP-hydrolysing; minus strand). Cytogenetic location: 8q24.3.
Variant type: single nucleotide variant.
Coding change: c.880G>A on transcript NM_017570.5 (MANE Select); coding-DNA position 880, G replaced by A.
Protein change: p.Val294Met; replaces valine 294 with methionine.
Molecular consequence: missense variant.
Genome position (GRCh38, 1-based): chr8:144,058,308, C>T on the plus strand (G>A on the coding strand, the complement: OPLAH is on the minus strand). VCF-style: chr8-144058308-C-T. GRCh37 (hg19) VCF-style: chr8-145113211-C-T.
Other names: c.880G>A (NM_017570.4); short protein forms V294M.
Identifiers: ClinVar variation 3924201 (VCV003924201.2).

ClinVar aggregate classification (germline): Uncertain significance. Review status: criteria provided, multiple submitters, no conflicts (2 of 4 stars). 2 submissions from 2 submitters: Uncertain significance (2). Last evaluated 2025-05-05.

Conditions:
OPLAH-related disorder. Also called: OPLAH-related condition.

gnomAD v4.1: 9 of 1,605,370 alleles (0.00056%); highest among the groups gnomAD compares: African/African-American, 0.0053%; no homozygotes.

Submissions (2):

Ambry Genetics
Classification: Uncertain significance. Last evaluated: 2025-05-05. Review status: criteria provided, single submitter. Criteria: Ambry Variant Classification Scheme 2023. Collection method: clinical testing. Allele origin: germline.

PreventionGenetics, part of Exact Sciences
Classification: Uncertain significance for OPLAH-related condition. Last evaluated: 2025-04-29. Review status: criteria provided, single submitter. Criteria: ACMG Guidelines, 2015. Collection method: clinical testing. Allele origin: germline.
Comment: The OPLAH c.880G>A variant is predicted to result in the amino acid substitution p.Val294Met. To our knowledge, this variant has not been reported in the literature. This variant is reported in 0.016% of alleles in individuals of African descent in gnomAD. At this time, the clinical significance of this variant is uncertain due to the absence of conclusive functional and genetic evidence.